The following is an entry in ClinVar:

NM_001289104.2(PRKCSH):c.1362C>T (p.Gly454=)

Gene: PRKCSH (PRKCSH beta subunit of glucosidase II; plus strand). Cytogenetic location: 19p13.2.
Variant type: single nucleotide variant.
Coding change: c.1362C>T on transcript NM_001289104.2 (MANE Select); coding-DNA position 1362, C replaced by T.
Protein change: p.Gly454=; no amino-acid change (glycine 454 retained).
Molecular consequence: synonymous variant.
Genome position (GRCh38, 1-based): chr19:11,449,076, C>T. VCF-style: chr19-11449076-C-T. GRCh37 (hg19) VCF-style: chr19-11559891-C-T.
Other names: c.1332C>T, p.Gly444= (NM_001001329.3, NM_001289102.2, NM_001379609.1); c.1362C>T, p.Gly454= (NM_001289103.2); c.1341C>T, p.Gly447= (NM_001379608.1, NM_002743.3).
Identifiers: ClinVar variation 1690486 (VCV001690486.3), dbSNP rs768405270, ClinGen allele CA9213308.

ClinVar aggregate classification (germline): Conflicting classifications of pathogenicity. Review status: criteria provided, conflicting classifications (1 of 4 stars). 2 submissions from 2 submitters: Uncertain significance (1); Benign (1). Last evaluated 2024-05-12.

Conditions:
Polycystic liver disease 1 (PCLD1). Also called: Polycystic liver disease 1 with or without kidney cysts. Identifiers: Orphanet 2924, MedGen C0887850, MONDO:0008265, OMIM 174050.

Allele frequency attached by ClinVar (database versions not stated): gnomAD exomes below 0.00001; TOPMed 0.00001; ExAC 0.00001; gnomAD 0.00001.
gnomAD v4.1: 4 of 1,613,308 alleles (0.00025%); highest among the groups gnomAD compares: Admixed American, 0.0033%; no homozygotes.

Submissions (2):

Fulgent Genetics
Classification: Uncertain significance for Polycystic liver disease 1. Last evaluated: 2024-05-12. Review status: criteria provided, single submitter. Criteria: ACMG Guidelines, 2015. Collection method: clinical testing. Allele origin: germline.

Laboratorio de Genetica e Diagnostico Molecular, Hospital Israelita Albert Einstein
Classification: Benign. Last evaluated: 2021-11-17. Review status: criteria provided, single submitter. Criteria: ACMG Guidelines, 2015. Collection method: clinical testing. Allele origin: germline. Affected: yes.
Comment: ACMG classification criteria: BS1, BS2